The following is an entry in ClinVar:

ClinVar aggregate classification (germline): Uncertain significance. Review status: criteria provided, single submitter (1 of 4 stars). 2 submissions from 2 submitters: Uncertain significance (1). 1 of the submissions does not count toward it. Last evaluated 2024-04-05.

Conditions:
Alstrom syndrome (ALMS). Identifiers: Orphanet 64, MedGen C0268425, MONDO:0008763, OMIM 203800.

Submissions (2):

Labcorp Genetics (formerly Invitae), Labcorp
Classification: Uncertain significance for Alstrom syndrome. Last evaluated: 2024-04-05. Review status: criteria provided, single submitter. Criteria: Invitae Variant Classification Sherloc (09022015). Collection method: clinical testing. Allele origin: germline.
Comment: This sequence change replaces threonine, which is neutral and polar, with proline, which is neutral and non-polar, at codon 1032 of the ALMS1 protein (p.Thr1032Pro). This variant is not present in population databases (gnomAD no frequency). This variant has not been reported in the literature in individuals affected with ALMS1-related conditions. ClinVar contains an entry for this variant (Variation ID: 1059286). Experimental studies and prediction algorithms are not available or were not evaluated, and the functional significance of this variant is currently unknown. In summary, the available evidence is currently insufficient to determine the role of this variant in disease. Therefore, it has been classified as a Variant of Uncertain Significance.

Natera, Inc.
Classification: Uncertain significance for Alstrom syndrome. Last evaluated: 2020-03-12. Review status: no assertion criteria provided. Collection method: clinical testing. Allele origin: germline. Not counted in ClinVar's aggregate classification.

NM_001378454.1(ALMS1):c.3091A>C (p.Thr1031Pro)

Gene: ALMS1 (ALMS1 centrosome and basal body associated protein; plus strand). Cytogenetic location: 2p13.1.
Variant type: single nucleotide variant.
Coding change: c.3091A>C on transcript NM_001378454.1 (MANE Select); coding-DNA position 3091, A replaced by C.
Protein change: p.Thr1031Pro; replaces threonine 1031 with proline.
Molecular consequence: missense variant.
Genome position (GRCh38, 1-based): chr2:73,449,618, A>C. VCF-style: chr2-73449618-A-C. GRCh37 (hg19) VCF-style: chr2-73676745-A-C.
Other names: c.3094A>C, p.Thr1032Pro (NM_015120.4); short protein forms T1031P, T1032P.
Identifiers: ClinVar variation 1059286 (VCV001059286.9), dbSNP rs72811915, ClinGen allele CA347273764.